The following is an entry in ClinVar:

ClinVar aggregate classification (germline): Pathogenic (1 of 4 stars; one submission).

Conditions:
Joubert syndrome and related disorders. Identifiers: Orphanet 140874, MedGen C5679612, MONDO:0015369.

Submission:

Myriad Genetics, Inc.
Classification: Pathogenic for Joubert syndrome and related disorders. Last evaluated: 2024-11-11. Review status: criteria provided, single submitter. Criteria: Myriad Autosomal Dominant, Autosomal Recessive and X-Linked Classification Criteria (2023). Collection method: clinical testing. Allele origin: unknown.
Comment: NM_001080522.2(CC2D2A):c.585delT(F195Lfs*63) is expected to be pathogenic in the context of CC2D2A-related disorders. This variant is predicted to lead to an abnormal or absent protein product due to the creation of a premature termination codon in CC2D2A, a gene where loss-of-function variants are known to be pathogenic. Please note: this variant was assessed in the context of healthy population screening.

NM_001378615.1(CC2D2A):c.585del (p.Phe195fs)

Genes: CC2D2A (coiled-coil and C2 domain containing 2A; plus strand), FBXL5 (F-box and leucine rich repeat protein 5; minus strand). Cytogenetic location: 4p15.32.
Variant type: Deletion.
Coding change: c.585del on transcript NM_001378615.1 (MANE Select); coding-DNA position 585, one base deleted (T; older notation c.585delT).
Protein change: p.Phe195fs; shifts the reading frame from phenylalanine 195.
Molecular consequence: frameshift variant.
Genome position (GRCh38, 1-based): chr4:15,511,291, T deleted; the last of 3 consecutive T bases (chr4:15,511,289-15,511,291); deleting any one gives the same sequence. VCF-style (leftmost placement, unchanged base first): chr4-15511288-CT-C. GRCh37 (hg19) VCF-style: chr4-15512911-CT-C.
Other names: c.585del, p.Phe195fs (NM_001080522.2); c.438del, p.Phe146fs (NM_001378617.1); short protein forms F146fs, F195fs.
Identifiers: ClinVar variation 5013740 (VCV005013740.1).